The following is an entry in ClinVar:

NM_018082.6(POLR3B):c.23T>C (p.Phe8Ser)

Gene: POLR3B (RNA polymerase III subunit B; plus strand). Cytogenetic location: 12q23.3.
Variant type: single nucleotide variant.
Coding change: c.23T>C on transcript NM_018082.6 (MANE Select); coding-DNA position 23, T replaced by C.
Protein change: p.Phe8Ser; replaces phenylalanine 8 with serine.
Molecular consequence: missense variant.
Genome position (GRCh38, 1-based): chr12:106,357,902, T>C. VCF-style: chr12-106357902-T-C. GRCh37 (hg19) VCF-style: chr12-106751680-T-C.
Other names: short protein forms F8S.
Identifiers: ClinVar variation 2572830 (VCV002572830.1), dbSNP rs1438905212, ClinGen allele CA386384557.

ClinVar aggregate classification (germline): Uncertain significance (1 of 4 stars; one submission).

Allele frequency attached by ClinVar (database versions not stated): gnomAD exomes below 0.00001; TOPMed below 0.00001; gnomAD 0.00001.
gnomAD v4.1: 10 of 1,613,446 alleles (0.00062%); highest among the groups gnomAD compares: African/African-American, 0.0067%; no homozygotes.

Submission:

GeneDx
Classification: Uncertain significance. Last evaluated: 2023-01-12. Review status: criteria provided, single submitter. Criteria: GeneDx Variant Classification Process June 2021. Collection method: clinical testing. Allele origin: germline. Affected: yes.
Comment: In silico analysis supports that this missense variant does not alter protein structure/function; Has not been previously published as pathogenic or benign to our knowledge